The following is an entry in ClinVar:

NM_002519.3(NPAT):c.2495G>A (p.Gly832Asp)

Gene: NPAT (nuclear protein, coactivator of histone transcription; minus strand). Cytogenetic location: 11q22.3.
Variant type: single nucleotide variant.
Coding change: c.2495G>A on transcript NM_002519.3 (MANE Select); coding-DNA position 2495, G replaced by A.
Protein change: p.Gly832Asp; replaces glycine 832 with aspartic acid.
Molecular consequence: missense variant.
Genome position (GRCh38, 1-based): chr11:108,172,489, C>T on the plus strand (G>A on the coding strand, the complement: NPAT is on the minus strand). VCF-style: chr11-108172489-C-T. GRCh37 (hg19) VCF-style: chr11-108043216-C-T.
Other names: c.2495G>A, p.Gly832Asp (NM_001321307.1); short protein forms G832D.
Identifiers: ClinVar variation 1792127 (VCV001792127.2), dbSNP rs1284174983, ClinGen allele CA382512855.

ClinVar aggregate classification (germline): Uncertain significance (1 of 4 stars; one submission).

Allele frequency attached by ClinVar (database versions not stated): gnomAD exomes below 0.00001; TOPMed below 0.00001.
gnomAD v4.1: 2 of 1,614,172 alleles (0.00012%); highest among the groups gnomAD compares: African/African-American, 0.0027%; no homozygotes.

Submission:

Ambry Genetics
Classification: Uncertain significance. Last evaluated: 2021-08-30. Review status: criteria provided, single submitter. Criteria: Ambry Variant Classification Scheme 2023. Collection method: clinical testing. Allele origin: germline.
Comment: The p.G832D variant (also known as c.2495G>A), located in coding exon 13 of the NPAT gene, results from a G to A substitution at nucleotide position 2495. The glycine at codon 832 is replaced by aspartic acid, an amino acid with similar properties. This amino acid position is conserved. In addition, this alteration is predicted to be tolerated by in silico analysis. Since supporting evidence is limited at this time, the clinical significance of this alteration remains unclear.